The following is an entry in ClinVar:

NM_014847.4(UBAP2L):c.1250C>A (p.Pro417His)

Gene: UBAP2L (ubiquitin associated protein 2 like; plus strand). Cytogenetic location: 1q21.3.
Variant type: single nucleotide variant.
Coding change: c.1250C>A on transcript NM_014847.4 (MANE Select); coding-DNA position 1250, C replaced by A.
Protein change: p.Pro417His; replaces proline 417 with histidine.
Molecular consequence: missense variant.
Genome position (GRCh38, 1-based): chr1:154,251,077, C>A. VCF-style: chr1-154251077-C-A. GRCh37 (hg19) VCF-style: chr1-154223553-C-A.
Other names: c.1250C>A, p.Pro417His (NM_001127320.3, NM_001375614.1, NM_001375615.1 and 14 more transcripts); c.1229C>A, p.Pro410His (NM_001287815.1); c.1283C>A, p.Pro428His (NM_001287816.1, NM_001330730.1, NM_001375612.1 and 2 more transcripts); short protein forms P410H, P417H, P428H.
Identifiers: ClinVar variation 4976504 (VCV004976504.1).

ClinVar aggregate classification (germline): Uncertain significance (1 of 4 stars; one submission).

gnomAD v4.1: 1 of 1,613,982 alleles (0.000062%); highest among the groups gnomAD compares: Non-Finnish European, 0.000085%; no homozygotes.

Submission:

GeneDx
Classification: Uncertain significance. Last evaluated: 2026-02-09. Review status: criteria provided, single submitter. Criteria: GeneDx Variant Classification Process June 2021. Collection method: clinical testing. Allele origin: germline.
Comment: Not observed at significant frequency in large population cohorts (gnomAD); In silico analysis supports that this missense variant has a deleterious effect on protein structure/function; Has not been previously published as pathogenic or benign to our knowledge